The following is an entry in ClinVar:

ClinVar aggregate classification (germline): Uncertain significance. Review status: criteria provided, multiple submitters, no conflicts (2 of 4 stars). 2 submissions from 2 submitters: Uncertain significance (2). Last evaluated 2024-11-10.

Conditions:
Inborn genetic diseases. Identifiers: MedGen C0950123, MeSH D030342.

Allele frequency attached by ClinVar (database versions not stated): TOPMed 0.00001; gnomAD 0.00002.

Submissions (2):

Ambry Genetics
Classification: Uncertain significance for Inborn genetic diseases. Last evaluated: 2024-11-10. Review status: criteria provided, single submitter. Criteria: Ambry Variant Classification Scheme 2023. Collection method: clinical testing. Allele origin: germline.

GeneDx
Classification: Uncertain significance. Last evaluated: 2023-05-26. Review status: criteria provided, single submitter. Criteria: GeneDx Variant Classification Process June 2021. Collection method: clinical testing. Allele origin: germline. Affected: yes.
Comment: Not observed at significant frequency in large population cohorts (gnomAD); In silico analysis supports that this missense variant has a deleterious effect on protein structure/function; Has not been previously published as pathogenic or benign to our knowledge; This variant is associated with the following publications: (PMID: 27535533)

NM_181332.3(NLGN4X):c.374C>T (p.Pro125Leu)

Gene: NLGN4X (neuroligin 4 X-linked; minus strand). Cytogenetic location: Xp22.31.
Variant type: single nucleotide variant.
Coding change: c.374C>T on transcript NM_181332.3 (MANE Select); coding-DNA position 374, C replaced by T.
Protein change: p.Pro125Leu; replaces proline 125 with leucine.
Molecular consequence: missense variant.
Genome position (GRCh38, 1-based): chrX:6,151,093, G>A on the plus strand (C>T on the coding strand, the complement: NLGN4X is on the minus strand). VCF-style: chrX-6151093-G-A. GRCh37 (hg19) VCF-style: chrX-6069134-G-A.
Other names: c.374C>T, p.Pro125Leu (NM_001282145.2, NM_001282146.2, NM_020742.4); short protein forms P125L.
Identifiers: ClinVar variation 2504273 (VCV002504273.2), dbSNP rs1347582887, ClinGen allele CA412014876.